The following is an entry in ClinVar:

NM_000548.5(TSC2):c.3297G>T (p.Gly1099=)

Gene: TSC2 (TSC complex subunit 2; plus strand). Cytogenetic location: 16p13.3.
Variant type: single nucleotide variant.
Coding change: c.3297G>T on transcript NM_000548.5 (MANE Select); coding-DNA position 3297, G replaced by T.
Protein change: p.Gly1099=; no amino-acid change (glycine 1099 retained).
Molecular consequence: synonymous variant. On other transcripts: non-coding transcript variant (5).
Genome position (GRCh38, 1-based): chr16:2,079,569, G>T. VCF-style: chr16-2079569-G-T. GRCh37 (hg19) VCF-style: chr16-2129570-G-T.
Other names: c.3165G>T, p.Gly1055= (NM_001077183.3, NM_001370404.1, NM_001406665.1); c.3297G>T, p.Gly1099= (NM_001114382.3); c.3057G>T, p.Gly1019= (NM_001318827.2); c.3021G>T, p.Gly1007= (NM_001318829.2); c.2565G>T, p.Gly855= (NM_001318831.2, NM_001406687.1, NM_001406688.1); c.3198G>T, p.Gly1066= (NM_001318832.2); c.3168G>T, p.Gly1056= (NM_001363528.2, NM_001370405.1, NM_021055.3); c.3294G>T, p.Gly1098= (NM_001406663.1, NM_001406664.1); and 18 more.
Identifiers: ClinVar variation 4071307 (VCV004071307.1).

ClinVar aggregate classification (germline): Benign (1 of 4 stars; one submission).

Conditions:
Tuberous sclerosis 2 (TSC2). Identifiers: Orphanet 805, MedGen C1860707, MONDO:0013199, OMIM 613254.

Submission:

Myriad Genetics, Inc.
Classification: Benign for Tuberous sclerosis 2. Last evaluated: 2025-05-28. Review status: criteria provided, single submitter. Criteria: Myriad Autosomal Dominant, Autosomal Recessive and X-Linked Classification Criteria (2023). Collection method: clinical testing. Allele origin: unknown.
Comment: This variant is considered benign. This variant is a silent/synonymous amino acid change and it is not expected to impact splicing.